The following is an entry in ClinVar:

NM_001292063.2(OTOG):c.1174C>T (p.Arg392Trp)

Gene: OTOG (otogelin; plus strand). Cytogenetic location: 11p15.1.
Variant type: single nucleotide variant.
Coding change: c.1174C>T on transcript NM_001292063.2 (MANE Select); coding-DNA position 1174, C replaced by T.
Protein change: p.Arg392Trp; replaces arginine 392 with tryptophan.
Molecular consequence: missense variant.
Genome position (GRCh38, 1-based): chr11:17,559,122, C>T. VCF-style: chr11-17559122-C-T. GRCh37 (hg19) VCF-style: chr11-17580669-C-T.
Other names: c.1210C>T, p.Arg404Trp (NM_001277269.2); short protein forms R392W, R404W.
Identifiers: ClinVar variation 4071564 (VCV004071564.3).

ClinVar aggregate classification (germline): Uncertain significance. Review status: criteria provided, multiple submitters, no conflicts (2 of 4 stars). 2 submissions from 2 submitters: Uncertain significance (2). Last evaluated 2026-01-18.

Submissions (2):

GeneDx
Classification: Uncertain significance. Last evaluated: 2026-01-18. Review status: criteria provided, single submitter. Criteria: GeneDx Variant Classification Process June 2021. Collection method: clinical testing. Allele origin: germline.
Comment: In silico analysis suggests that this missense variant does not alter protein structure/function; Has not been previously published as pathogenic or benign to our knowledge

Blueprint Genetics
Classification: Uncertain significance. Last evaluated: 2024-02-27. Review status: criteria provided, single submitter. Criteria: ACMG Guidelines, 2015. Collection method: clinical testing. Allele origin: germline.